The following is an entry in ClinVar:

ClinVar aggregate classification (germline): Uncertain significance (1 of 4 stars; one submission).

Allele frequency attached by ClinVar (database versions not stated): gnomAD exomes below 0.00001.
gnomAD v4.1: 1 of 1,612,070 alleles (0.000062%); highest among the groups gnomAD compares: East Asian, 0.0022%; no homozygotes.

Submission:

Labcorp Genetics (formerly Invitae), Labcorp
Classification: Uncertain significance. Last evaluated: 2023-08-17. Review status: criteria provided, single submitter. Criteria: Invitae Variant Classification Sherloc (09022015). Collection method: clinical testing. Allele origin: germline.
Comment: In summary, the available evidence is currently insufficient to determine the role of this variant in disease. Therefore, it has been classified as a Variant of Uncertain Significance. Algorithms developed to predict the effect of missense changes on protein structure and function output the following: SIFT: "Not Available"; PolyPhen-2: "Benign"; Align-GVGD: "Not Available". The arginine amino acid residue is found in multiple mammalian species, which suggests that this missense change does not adversely affect protein function. ClinVar contains an entry for this variant (Variation ID: 1011935). This variant has not been reported in the literature in individuals affected with CEP78-related conditions. This variant is present in population databases (no rsID available, gnomAD 0.006%). This sequence change replaces lysine, which is basic and polar, with arginine, which is basic and polar, at codon 702 of the CEP78 protein (p.Lys702Arg).

NM_001330691.3(CEP78):c.2102A>G (p.Lys701Arg)

Gene: CEP78 (centrosomal protein 78; plus strand). Cytogenetic location: 9q21.2.
Variant type: single nucleotide variant.
Coding change: c.2102A>G on transcript NM_001330691.3 (MANE Select); coding-DNA position 2102, A replaced by G.
Protein change: p.Lys701Arg; replaces lysine 701 with arginine.
Molecular consequence: missense variant.
Genome position (GRCh38, 1-based): chr9:78,266,698, A>G. VCF-style: chr9-78266698-A-G. GRCh37 (hg19) VCF-style: chr9-80881614-A-G.
Other names: c.2105A>G, p.Lys702Arg (NM_001098802.3, NM_001349839.2); c.2054A>G, p.Lys685Arg (NM_001330693.3, NM_001330694.2); c.2102A>G, p.Lys701Arg (NM_001349838.2); c.2057A>G, p.Lys686Arg (NM_001349840.2, NM_032171.3); short protein forms K685R, K686R, K701R, K702R.
Identifiers: ClinVar variation 1011935 (VCV001011935.8), dbSNP rs1416954758, ClinGen allele CA373868082.
Genomic context (GRCh38, chr9:78,266,698, plus strand): 5'-GTCAAAGAAAAGAAGAGGAGTTGTCCAGAAATAGCAGATCTTCTTCAGAGAAAAAGACCA[A>G]AACAGGTGAATATACCAAAAAACACTCTGATAAGCAACACCCTGGAAAGGACCTGCATTC-3'
Protein context (NP_001317620.1, residues 691-705): NSRSSSEKKT[Lys701Arg]TESH